The following is an entry in ClinVar:

ClinVar aggregate classification (germline): Likely pathogenic. Review status: criteria provided, multiple submitters, no conflicts (2 of 4 stars). 4 submissions from 4 submitters: Likely pathogenic (2). 2 of the submissions do not count toward it. Last evaluated 2024-01-12.

Conditions:
OTOF-related disorder. Also called: OTOF-related condition.
Autosomal recessive nonsyndromic hearing loss 9. Also called: Deafness, autosomal recessive 9; OTOF-Related Hearing Loss; NEUROSENSORY NONSYNDROMIC RECESSIVE DEAFNESS 9; AUDITORY NEUROPATHY, AUTOSOMAL RECESSIVE, 1, TEMPERATURE-SENSITIVE. Identifiers: Orphanet 90636, MedGen C1832828, MONDO:0010986, OMIM 601071.

Submissions (4):

Labcorp Genetics (formerly Invitae), Labcorp
Classification: Likely pathogenic. Last evaluated: 2024-01-12. Review status: criteria provided, single submitter. Criteria: Invitae Variant Classification Sherloc (09022015). Collection method: clinical testing. Allele origin: germline.
Comment: This variant results in the deletion of part of exon 24 (c.2867-5_2881del) of the OTOF gene. It is expected to disrupt RNA splicing. Variants that disrupt the donor or acceptor splice site typically lead to a loss of protein function (PMID: 16199547), and loss-of-function variants in OTOF are known to be pathogenic (PMID: 18381613, 19250381, 22575033). This variant is present in population databases (no rsID available, gnomAD 0.006%). This variant has been observed in individual(s) with auditory neuropathy spectrum disorder (PMID: 34424407). ClinVar contains an entry for this variant (Variation ID: 1185081). In summary, the currently available evidence indicates that the variant is pathogenic, but additional data are needed to prove that conclusively. Therefore, this variant has been classified as Likely Pathogenic.

Blueprint Genetics
Classification: Likely pathogenic for OTOF-related disorders. Last evaluated: 2020-02-04. Review status: criteria provided, single submitter. Criteria: ACMG Guidelines, 2015. Collection method: clinical testing. Allele origin: germline. Affected: yes. Observed: 1 variant allele.

Diagnosis and Treatment Center of Genetic Hearing Loss, Eye & ENT Hospital of Fudan University
Classification: Likely pathogenic for Autosomal recessive nonsyndromic hearing loss 9. Last evaluated: 2026-02-04. Review status: no assertion criteria provided. Collection method: clinical testing. Allele origin: germline. Inheritance: Autosomal recessive inheritance. Affected: yes. Not counted in ClinVar's aggregate classification.
Comment: The c.2867-5_2881del deletion in OTOF affects the splice region and is predicted to cause loss of function (PVS1). The population frequency is 0.0000545 (PM2_Supporting). It has been reported in trans with a pathogenic/likely pathogenic variant in one patient (PM3; PMID: 34424407).

WangQJ Lab, Chinese People's Liberation Army General Hospital
Classification: Pathogenic for Autosomal recessive nonsyndromic hearing loss 9. Last evaluated: 2021-07-01. Review status: no assertion criteria provided. Collection method: clinical testing. Allele origin: maternal. Affected: yes. Not counted in ClinVar's aggregate classification.

Literature cited by the submitters: PubMed 16199547 (cited by Labcorp Genetics (formerly Invitae), Labcorp); PubMed 18381613 (cited by Labcorp Genetics (formerly Invitae), Labcorp); PubMed 19250381 (cited by Labcorp Genetics (formerly Invitae), Labcorp); PubMed 22575033 (cited by Labcorp Genetics (formerly Invitae), Labcorp); PubMed 34424407 (cited by Labcorp Genetics (formerly Invitae), Labcorp and Diagnosis and Treatment Center of Genetic Hearing Loss, Eye & ENT Hospital of Fudan University).

NM_194248.3(OTOF):c.2867-5_2881del

Gene: OTOF (otoferlin; minus strand). Cytogenetic location: 2p23.3.
Variant type: Deletion.
Coding change: c.2867-5_2881del on transcript NM_194248.3 (MANE Select); 5 bases into the intron before coding-DNA position 2867 through coding-DNA position 2881, 20 bases deleted (CACAGAGAAGCAGGCGTTCC).
Molecular consequence: splice acceptor variant.
Genome position (GRCh38, 1-based): chr2:26,476,024-26,476,043, GGAACGCCTGCTTCTCTGTG deleted on the plus strand (CACAGAGAAGCAGGCGTTCC on the coding strand, the reverse complement: OTOF is on the minus strand); deleting any 20 consecutive bases within chr2:26,476,024-26,476,045 gives the same sequence; the c. name uses the placement nearest the transcript's 3' end. VCF-style (leftmost placement, unchanged base first): chr2-26476023-TGGAACGCCTGCTTCTCTGTG-T. GRCh37 (hg19) VCF-style: chr2-26698891-TGGAACGCCTGCTTCTCTGTG-T.
Other names: c.2867-5_2881del (NM_001287489.2); c.626-5_640del (NM_194323.3, NM_004802.4); c.797-5_811del (NM_194322.3).
Identifiers: ClinVar variation 1185081 (VCV001185081.6), dbSNP rs1240121049, ClinGen allele CA531761810.